The following is an entry in ClinVar:

ClinVar aggregate classification (germline): Uncertain significance (1 of 4 stars; one submission).

Conditions:
Hereditary sensory and autonomic neuropathy type 6. Also called: Neuropathy, hereditary sensory and autonomic, type VI; HSAN VI. Identifiers: Orphanet 314381, MedGen C3539003, MONDO:0013839, OMIM 614653.
Epidermolysis bullosa simplex 3, localized or generalized intermediate, with BP230 deficiency (EBS3). Also called: Epidermolysis bullosa simplex due to BP230 deficiency; Epidermolysis bullosa simplex, autosomal recessive 2. Identifiers: Orphanet 412181, MedGen C3809470, MONDO:0014180, OMIM 615425.

Allele frequency attached by ClinVar (database versions not stated): gnomAD exomes 0.00002 and 0.00003; TOPMed 0.00002; ExAC 0.00003; gnomAD 0.00003.
gnomAD v4.1: 27 of 1,604,656 alleles (0.0017%); highest among the groups gnomAD compares: Non-Finnish European, 0.00026%; no homozygotes.

Submission:

Labcorp Genetics (formerly Invitae), Labcorp
Classification: Uncertain significance for Epidermolysis bullosa simplex 3, localized or generalized intermediate, with BP230 deficiency; Hereditary sensory and autonomic neuropathy type 6. Last evaluated: 2022-09-26. Review status: criteria provided, single submitter. Criteria: Invitae Variant Classification Sherloc (09022015). Collection method: clinical testing. Allele origin: germline.
Comment: This sequence change replaces methionine with threonine at codon 1805 of the DST protein (p.Met1805Thr). The DST gene has multiple clinically relevant transcripts. This variant occurs in alternate transcript NM_015548.4, and corresponds to NM_001723.5:c.*42499T>C in the primary transcript. This variant is present in population databases (rs757885682, gnomAD 0.07%). This variant has not been reported in the literature in individuals affected with DST-related conditions. ClinVar contains an entry for this variant (Variation ID: 1023536). Experimental studies and prediction algorithms are not available or were not evaluated, and the functional significance of this variant is currently unknown. In summary, the available evidence is currently insufficient to determine the role of this variant in disease. Therefore, it has been classified as a Variant of Uncertain Significance.

NM_001374736.1(DST):c.13283T>C (p.Met4428Thr)

Gene: DST (dystonin; minus strand). Cytogenetic location: 6p12.1.
Variant type: single nucleotide variant.
Coding change: c.13283T>C on transcript NM_001374736.1 (MANE Select); coding-DNA position 13283, T replaced by C.
Protein change: p.Met4428Thr; replaces methionine 4428 with threonine.
Molecular consequence: missense variant.
Genome position (GRCh38, 1-based): chr6:56,573,018, A>G on the plus strand (T>C on the coding strand, the complement: DST is on the minus strand). VCF-style: chr6-56573018-A-G. GRCh37 (hg19) VCF-style: chr6-56437816-A-G.
Other names: c.6926T>C, p.Met2309Thr (NM_001144769.5); c.6512T>C, p.Met2171Thr (NM_001144770.2); c.13283T>C, p.Met4428Thr (NM_001374722.1); c.12650T>C, p.Met4217Thr (NM_001374729.1); c.6392T>C, p.Met2131Thr (NM_001374730.1, NM_001386100.1, NM_183380.4); c.13310T>C, p.Met4437Thr (NM_001374734.1); c.5414T>C, p.Met1805Thr (NM_015548.5); short protein forms M1805T, M2131T, M2171T, M2309T, M4217T, M4428T, M4437T.
Identifiers: ClinVar variation 1023536 (VCV001023536.4), dbSNP rs757885682, ClinGen allele CA3868238.
Genomic context (GRCh38, chr6:56,573,018, plus strand): 5'-TGCAGTGAGGATGCAGTGGATGGATCTGTTGTTTCCATAAATTTCTTCACTTTTTCATTC[A>G]TGGCATTTATACTGCTCTGACGACCTGCAATATCCTGTTCCAACATCTAAAATAAACCAA-3'
Protein context (NP_001361665.1, residues 4418-4438): IAGRQSSINA[Met4428Thr]NEKVKKFMET